The following is an entry in ClinVar:

ClinVar aggregate classification (germline): Uncertain significance. Review status: criteria provided, multiple submitters, no conflicts (2 of 4 stars). 5 submissions from 5 submitters: Uncertain significance (5). Last evaluated 2026-01-20.

Conditions:
Hereditary cancer-predisposing syndrome. Also called: Tumor predisposition; Hereditary Cancer Syndrome; Hereditary neoplastic syndrome; Neoplastic Syndromes, Hereditary. Identifiers: Orphanet 140162, MedGen C0027672, MeSH D009386, MONDO:0015356.
Hereditary breast ovarian cancer syndrome. Also called: Hereditary breast and ovarian cancer; Hereditary breast and/or ovarian cancer syndrome; BRCA1- and BRCA2-Associated Hereditary Breast and Ovarian Cancer; Hereditary breast and ovarian cancer syndrome; Hereditary breast and ovarian cancer syndrome (HBOC); Breast and ovarian cancer. Identifiers: Orphanet 145, MedGen C0677776, MeSH D061325, MONDO:0003582. Disease mechanism: loss of function.

Allele frequency attached by ClinVar (database versions not stated): gnomAD 0.00001.
gnomAD v4.1: 1 of 1,613,494 alleles (0.000062%); highest among the groups gnomAD compares: African/African-American, 0.0013%; no homozygotes.

Submissions (5):

Labcorp Genetics (formerly Invitae), Labcorp
Classification: Uncertain significance for Hereditary breast ovarian cancer syndrome. Last evaluated: 2026-01-20. Review status: criteria provided, single submitter. Criteria: Invitae Variant Classification Sherloc (09022015). Collection method: clinical testing. Allele origin: germline.
Comment: This sequence change replaces proline, which is neutral and non-polar, with leucine, which is neutral and non-polar, at codon 2771 of the BRCA2 protein (p.Pro2771Leu). This variant is not present in population databases (gnomAD no frequency). This variant has not been reported in the literature in individuals affected with BRCA2-related conditions. ClinVar contains an entry for this variant (Variation ID: 409471). Invitae Evidence Modeling of protein sequence and biophysical properties (such as structural, functional, and spatial information, amino acid conservation, physicochemical variation, residue mobility, and thermodynamic stability) indicates that this missense variant is not expected to disrupt BRCA2 protein function with a negative predictive value of 95%. In summary, the available evidence is currently insufficient to determine the role of this variant in disease. Therefore, it has been classified as a Variant of Uncertain Significance.

Ambry Genetics
Classification: Uncertain significance for Hereditary cancer-predisposing syndrome. Last evaluated: 2024-08-19. Review status: criteria provided, single submitter. Criteria: Ambry Variant Classification Scheme 2023. Collection method: clinical testing. Allele origin: germline.
Comment: The p.P2771L variant (also known as c.8312C>T), located in coding exon 17 of the BRCA2 gene, results from a C to T substitution at nucleotide position 8312. The proline at codon 2771 is replaced by leucine, an amino acid with similar properties. This amino acid position is highly conserved in available vertebrate species. In addition, this alteration is predicted to be deleterious by in silico analysis. Based on the available evidence, the clinical significance of this variant remains unclear.

Color Diagnostics, LLC DBA Color Health
Classification: Uncertain significance for Hereditary cancer-predisposing syndrome. Last evaluated: 2024-01-23. Review status: criteria provided, single submitter. Criteria: ACMG Guidelines, 2015. Collection method: clinical testing. Allele origin: germline.
Comment: This missense variant replaces proline with leucine at codon 2771 of the BRCA2 protein. Computational prediction suggests that this variant may have deleterious impact on protein structure and function. This variant does not impact BRCA2 function in a homology-directed DNA repair assay (PMID: 35736817) and had intermediate impact in a drug sensitivity assay (PMID: 32444794). This variant has not been reported in individuals affected with BRCA2-related disorders in the literature. This variant has not been identified in the general population by the Genome Aggregation Database (gnomAD). The available evidence is insufficient to determine the role of this variant in disease conclusively. Therefore, this variant is classified as a Variant of Uncertain Significance.

GeneDx
Classification: Uncertain significance. Last evaluated: 2022-01-05. Review status: criteria provided, single submitter. Criteria: GeneDx Variant Classification Process June 2021. Collection method: clinical testing. Allele origin: germline. Affected: yes.
Comment: Not observed at significant frequency in large population cohorts (gnomAD); In silico analysis supports that this missense variant has a deleterious effect on protein structure/function; Has not been previously published as pathogenic or benign to our knowledge; Also known as 8540C>T; This variant is associated with the following publications: (PMID: 12228710)

Quest Diagnostics Nichols Institute San Juan Capistrano
Classification: Uncertain significance. Last evaluated: 2018-08-20. Review status: criteria provided, single submitter. Criteria: Quest Diagnostics criteria. Collection method: clinical testing. Allele origin: germline.

Literature cited by the submitters: PubMed 32444794 (cited by Color Diagnostics, LLC DBA Color Health); PubMed 35736817 (cited by Color Diagnostics, LLC DBA Color Health).

NM_000059.4(BRCA2):c.8312C>T (p.Pro2771Leu)

Gene: BRCA2 (BRCA2 DNA repair associated; plus strand). Cytogenetic location: 13q13.1.
Variant type: single nucleotide variant.
Coding change: c.8312C>T on transcript NM_000059.4 (MANE Select); coding-DNA position 8312, C replaced by T.
Protein change: p.Pro2771Leu; replaces proline 2771 with leucine.
Molecular consequence: missense variant.
Genome position (GRCh38, 1-based): chr13:32,363,514, C>T. VCF-style: chr13-32363514-C-T. GRCh37 (hg19) VCF-style: chr13-32937651-C-T.
Other names: short protein forms P2771L.
Identifiers: ClinVar variation 409471 (VCV000409471.18), dbSNP rs1060502415, ClinGen allele CA16614230.